The following is an entry in ClinVar:

NM_001346249.2(RALGAPA1):c.6480A>G (p.Lys2160=)

Gene: RALGAPA1 (Ral GTPase activating protein catalytic subunit alpha 1; minus strand). Cytogenetic location: 14q13.2.
Variant type: single nucleotide variant.
Coding change: c.6480A>G on transcript NM_001346249.2 (MANE Select); coding-DNA position 6480, A replaced by G.
Protein change: p.Lys2160=; no amino-acid change (lysine 2160 retained).
Molecular consequence: synonymous variant.
Genome position (GRCh38, 1-based): chr14:35,627,467, T>C on the plus strand (A>G on the coding strand, the complement: RALGAPA1 is on the minus strand). VCF-style: chr14-35627467-T-C. GRCh37 (hg19) VCF-style: chr14-36096673-T-C.
Other names: c.4962A>G, p.Lys1654= (NM_014990.3, NM_194301.4, NM_001346243.2 and 1 more transcripts); c.5001A>G, p.Lys1667= (NM_001283043.3); c.5103A>G, p.Lys1701= (NM_001283044.3, NM_001346245.2, NM_001346247.2); c.6339A>G, p.Lys2113= (NM_001330075.3, NM_001346248.2).
Identifiers: ClinVar variation 2644167 (VCV002644167.25), dbSNP rs145469508, ClinGen allele CA7156266.

ClinVar aggregate classification (germline): Likely benign. Review status: criteria provided, multiple submitters, no conflicts (2 of 4 stars). 2 submissions from 2 submitters: Likely benign (2). Last evaluated 2024-09-26.

Allele frequency attached by ClinVar (database versions not stated): gnomAD exomes 0.00012; ExAC 0.00031; ESP Exome Variant Server 0.00131; 1000 Genomes Project 0.00140; gnomAD 0.00144; TOPMed 0.00155; 1000 Genomes Project 30x 0.00156.
gnomAD v4.1: 400 of 1,613,586 alleles (0.025%); highest among the groups gnomAD compares: African/African-American, 0.49%; no homozygotes.

Submissions (2):

Blueprint Genetics
Classification: Likely benign. Last evaluated: 2024-09-26. Review status: criteria provided, single submitter. Criteria: ACMG Guidelines, 2015. Collection method: clinical testing. Allele origin: germline.

CeGaT Center for Human Genetics Tuebingen
Classification: Likely benign. Last evaluated: 2024-04-01. Review status: criteria provided, single submitter. Criteria: CeGaT Center For Human Genetics Tuebingen Variant Classification Criteria Version 2. Collection method: clinical testing. Allele origin: germline. Affected: yes. Observed: 2 variant alleles.
Comment: RALGAPA1: BP4, BP7